The following is an entry in ClinVar:

NM_006206.6(PDGFRA):c.1807G>T (p.Ala603Ser)

Gene: PDGFRA (platelet derived growth factor receptor alpha; plus strand). Cytogenetic location: 4q12.
Variant type: single nucleotide variant.
Coding change: c.1807G>T on transcript NM_006206.6 (MANE Select); coding-DNA position 1807, G replaced by T.
Protein change: p.Ala603Ser; replaces alanine 603 with serine.
Molecular consequence: missense variant.
Genome position (GRCh38, 1-based): chr4:54,277,408, G>T. VCF-style: chr4-54277408-G-T. GRCh37 (hg19) VCF-style: chr4-55143575-G-T.
Other names: c.1807G>T, p.Ala603Ser (NM_001347827.2, NM_001347829.2); c.1882G>T, p.Ala628Ser (NM_001347828.2); c.1846G>T, p.Ala616Ser (NM_001347830.2); short protein forms A603S, A628S, A616S.
Identifiers: ClinVar variation 2767717 (VCV002767717.3), dbSNP rs2110308442, ClinGen allele CA356893366.

ClinVar aggregate classification (germline): Uncertain significance (1 of 4 stars; one submission).

Conditions:
Gastrointestinal stromal tumor. Also called: Gastrointestinal stromal tumor, somatic; Gastrointestinal stroma tumor. Identifiers: Orphanet 44890, MedGen C0238198, MeSH D046152, MONDO:0011719, OMIM 606764, HP:0100723.

Submission:

Labcorp Genetics (formerly Invitae), Labcorp
Classification: Uncertain significance for Gastrointestinal stromal tumor. Last evaluated: 2023-10-12. Review status: criteria provided, single submitter. Criteria: Invitae Variant Classification Sherloc (09022015). Collection method: clinical testing. Allele origin: germline.
Comment: This sequence change replaces alanine, which is neutral and non-polar, with serine, which is neutral and polar, at codon 603 of the PDGFRA protein (p.Ala603Ser). This variant is not present in population databases (gnomAD no frequency). This variant has not been reported in the literature in individuals affected with PDGFRA-related conditions. Advanced modeling of protein sequence and biophysical properties (such as structural, functional, and spatial information, amino acid conservation, physicochemical variation, residue mobility, and thermodynamic stability) has been performed at Invitae for this missense variant, however the output from this modeling did not meet the statistical confidence thresholds required to predict the impact of this variant on PDGFRA protein function. In summary, the available evidence is currently insufficient to determine the role of this variant in disease. Therefore, it has been classified as a Variant of Uncertain Significance.